The following is an entry in ClinVar:

ClinVar aggregate classification (germline): Benign/Likely benign. Review status: criteria provided, multiple submitters, no conflicts (2 of 4 stars). 4 submissions from 4 submitters: Benign (2); Likely benign (2). Last evaluated 2026-02-02.

Conditions:
Tyrosinase-positive oculocutaneous albinism (OCA2). Also called: ALBINISM II; Oculocutaneous albinism type 2; Albinism, oculocutaneous, type II. Identifiers: Orphanet 79432, MedGen C0268495, MONDO:0008746, OMIM 203200.

Allele frequency attached by ClinVar (database versions not stated): gnomAD exomes 0.00091 and 0.00270; ExAC 0.00320; 1000 Genomes Project 0.00919; 1000 Genomes Project 30x 0.00984; gnomAD 0.01019 and 0.01098; TOPMed 0.01159; ESP Exome Variant Server 0.01238.
gnomAD v4.1: 2,953 of 1,614,058 alleles (0.18%); highest among the groups gnomAD compares: African/African-American, 3.5%; 50 homozygotes.

Submissions (4):

Labcorp Genetics (formerly Invitae), Labcorp
Classification: Benign. Last evaluated: 2026-02-02. Review status: criteria provided, single submitter. Criteria: Invitae Variant Classification Sherloc (09022015). Collection method: clinical testing. Allele origin: germline.

Illumina Laboratory Services, Illumina
Classification: Benign for Tyrosinase-positive oculocutaneous albinism. Last evaluated: 2017-04-27. Review status: criteria provided, single submitter. Criteria: ICSL Variant Classification Criteria 13 December 2019. Collection method: clinical testing. Allele origin: germline.
Comment: This variant was observed as part of a predisposition screen in an ostensibly healthy population. A literature search was performed for the gene, cDNA change, and amino acid change (where applicable). Publications were found based on this search. The evidence from the literature, in combination with allele frequency data from public databases where available, was sufficient to rule this variant out of causing disease. Therefore, this variant is classified as benign.

Breakthrough Genomics
Classification: Likely benign. Review status: criteria provided, single submitter. Criteria: ACMG Guidelines, 2015. Collection method: not provided. Allele origin: germline. Inheritance: Autosomal recessive inheritance. Affected: yes.

PreventionGenetics, part of Exact Sciences
Classification: Likely benign. Review status: criteria provided, single submitter. Criteria: ACMG Guidelines, 2015. Collection method: clinical testing. Allele origin: germline.

Literature cited by the submitters: PubMed 10649493 (cited by Illumina Laboratory Services, Illumina); PubMed 7762554 (cited by Illumina Laboratory Services, Illumina).

NM_000275.3(OCA2):c.1887G>T (p.Val629=)

Gene: OCA2 (OCA2 melanosomal transmembrane protein; minus strand). Cytogenetic location: 15q13.1.
Variant type: single nucleotide variant.
Coding change: c.1887G>T on transcript NM_000275.3 (MANE Select); coding-DNA position 1887, G replaced by T.
Protein change: p.Val629=; no amino-acid change (valine 629 retained).
Molecular consequence: synonymous variant.
Genome position (GRCh38, 1-based): chr15:27,951,848, C>A on the plus strand (G>T on the coding strand, the complement: OCA2 is on the minus strand). VCF-style: chr15-27951848-C-A. GRCh37 (hg19) VCF-style: chr15-28196994-C-A.
Other names: c.1815G>T, p.Val605= (NM_001300984.2).
Identifiers: ClinVar variation 255725 (VCV000255725.17), dbSNP rs1800415, ClinGen allele CA7438861.